The following is an entry in ClinVar:

NM_001014437.3(CARS1):c.1271G>A (p.Arg424His)

Gene: CARS1 (cysteinyl-tRNA synthetase 1; minus strand). Cytogenetic location: 11p15.4.
Variant type: single nucleotide variant.
Coding change: c.1271G>A on transcript NM_001014437.3 (MANE Select); coding-DNA position 1271, G replaced by A.
Protein change: p.Arg424His; replaces arginine 424 with histidine.
Molecular consequence: missense variant. On other transcripts: non-coding transcript variant (4).
Genome position (GRCh38, 1-based): chr11:3,019,263, C>T on the plus strand (G>A on the coding strand, the complement: CARS1 is on the minus strand). VCF-style: chr11-3019263-C-T. GRCh37 (hg19) VCF-style: chr11-3040493-C-T.
Other names: c.1271G>A, p.Arg424His (NM_001194997.2); c.1061G>A, p.Arg354His (NM_001378136.1); c.992G>A, p.Arg331His (NM_001378137.1, NM_001378138.1, NM_001378139.1); c.746G>A, p.Arg249His (NM_001378140.1); c.1022G>A, p.Arg341His (NM_001751.6, NM_139273.4); short protein forms R341H, R354H, R331H, R424H, R249H.
Identifiers: ClinVar variation 877076 (VCV000877076.7), dbSNP rs777861752, ClinGen allele CA5824053.

ClinVar aggregate classification (germline): Likely pathogenic. Review status: criteria provided, single submitter (1 of 4 stars). 2 submissions from 2 submitters: Likely pathogenic (1). 1 of the submissions does not count toward it. Last evaluated 2021-10-21.

Conditions:
Microcephaly, developmental delay, and brittle hair syndrome. Identifiers: MedGen C5394425, MONDO:0030047, OMIM 618891.

Allele frequency attached by ClinVar (database versions not stated): TOPMed below 0.00001; gnomAD 0.00001; ExAC 0.00004; gnomAD exomes 0.00005.
gnomAD v4.1: 26 of 1,432,650 alleles (0.0018%); highest among the groups gnomAD compares: African/African-American, 0.0015%; no homozygotes.

Submissions (2):

Genetic Medico-Diagnostic Laboratory Genica
Classification: Likely pathogenic for Microcephaly, developmental delay, and brittle hair syndrome. Last evaluated: 2021-10-21. Review status: criteria provided, single submitter. Criteria: ACMG Guidelines, 2015. Collection method: clinical testing. Allele origin: maternal. Affected: yes. Observed: 1 compound heterozygote. Segregation with disease observed.
Comment: Kuo et al., 2019 (PMID:30824121) performed functional analysis of the variant and classified it as pathogenic for Microcephaly, developmental delay, and brittle hair syndrome (OMIM:618891). The variant was observed in compound heterozygosity with CARS1:c.1108C>T (NM_001751.6), which is described as a variant with uncertain significance.

OMIM
Classification: Pathogenic for MICROCEPHALY, DEVELOPMENTAL DELAY, AND BRITTLE HAIR SYNDROME. Last evaluated: 2021-08-12. Review status: no assertion criteria provided. Collection method: literature only. Allele origin: germline. Not counted in ClinVar's aggregate classification.

Literature cited by the submitters: PubMed 30824121 (cited by Genetic Medico-Diagnostic Laboratory Genica); Kuo, M. E., Theil, A. F., Kievit, A., Malicdan, M. C., Introne, W. J., Christian, T., Verheijen, F. W., Smith, D. E. C., Mendes, M. I., Hussaarts-Odijk, L., van der Meijden, E., van Slegtenhorst, M., and 11 others Cysteinyl-tRNA synthetase mutations cause a multi-system, recessive disease that includes microcephaly, developmental delay, and brittle hair and nails. Am. J. Hum. Genet. 104: 520-529, 2019. (cited by OMIM).